The following is an entry in ClinVar:

NM_001080467.3(MYO5B):c.2991G>A (p.Ser997=)

Gene: MYO5B (myosin VB; minus strand). Cytogenetic location: 18q21.1.
Variant type: single nucleotide variant.
Coding change: c.2991G>A on transcript NM_001080467.3 (MANE Select); coding-DNA position 2991, G replaced by A.
Protein change: p.Ser997=; no amino-acid change (serine 997 retained).
Molecular consequence: synonymous variant.
Genome position (GRCh38, 1-based): chr18:49,894,995, C>T on the plus strand (G>A on the coding strand, the complement: MYO5B is on the minus strand). VCF-style: chr18-49894995-C-T. GRCh37 (hg19) VCF-style: chr18-47421365-C-T.
Identifiers: ClinVar variation 724115 (VCV000724115.35), dbSNP rs61737446, ClinGen allele CA8960882.

ClinVar aggregate classification (germline): Benign/Likely benign. Review status: criteria provided, multiple submitters, no conflicts (2 of 4 stars). 4 submissions from 4 submitters: Benign (2); Likely benign (2). Last evaluated 2026-01-16.

Allele frequency attached by ClinVar (database versions not stated): gnomAD exomes 0.00015 and 0.00035; ExAC 0.00047; 1000 Genomes Project 30x 0.00109; 1000 Genomes Project 0.00120; ESP Exome Variant Server 0.00120; gnomAD 0.00162 and 0.00178; TOPMed 0.00178.
gnomAD v4.1: 470 of 1,613,834 alleles (0.029%); highest among the groups gnomAD compares: African/African-American, 0.53%; 1 homozygote.

Submissions (4):

Labcorp Genetics (formerly Invitae), Labcorp
Classification: Benign. Last evaluated: 2026-01-16. Review status: criteria provided, single submitter. Criteria: Invitae Variant Classification Sherloc (09022015). Collection method: clinical testing. Allele origin: germline.

Blueprint Genetics
Classification: Likely benign. Last evaluated: 2024-11-27. Review status: criteria provided, single submitter. Criteria: ACMG Guidelines, 2015. Collection method: clinical testing. Allele origin: germline.

CeGaT Center for Human Genetics Tuebingen
Classification: Likely benign. Last evaluated: 2022-09-01. Review status: criteria provided, single submitter. Criteria: CeGaT Center For Human Genetics Tuebingen Variant Classification Criteria Version 2. Collection method: clinical testing. Allele origin: germline. Affected: yes. Observed: 1 variant allele.
Comment: MYO5B: BP4, BP7

Breakthrough Genomics
Classification: Benign. Review status: criteria provided, single submitter. Criteria: ACMG Guidelines, 2015. Collection method: not provided. Allele origin: germline. Inheritance: Autosomal recessive inheritance. Affected: yes.